The following is an entry in ClinVar:

NM_020338.4(ZMIZ1):c.1605C>A (p.Asp535Glu)

Gene: ZMIZ1 (zinc finger MIZ-type containing 1; plus strand). Cytogenetic location: 10q22.3.
Variant type: single nucleotide variant.
Coding change: c.1605C>A on transcript NM_020338.4 (MANE Select); coding-DNA position 1605, C replaced by A.
Protein change: p.Asp535Glu; replaces aspartic acid 535 with glutamic acid.
Molecular consequence: missense variant.
Genome position (GRCh38, 1-based): chr10:79,298,519, C>A. VCF-style: chr10-79298519-C-A. GRCh37 (hg19) VCF-style: chr10-81058276-C-A.
Other names: short protein forms D535E.
Identifiers: ClinVar variation 3717683 (VCV003717683.2).

ClinVar aggregate classification (germline): Uncertain significance (1 of 4 stars; one submission).

gnomAD v4.1: 1 of 1,602,028 alleles (0.000062%); highest among the groups gnomAD compares: Admixed American, 0.0017%; no homozygotes.

Submission:

Labcorp Genetics (formerly Invitae), Labcorp
Classification: Uncertain significance. Last evaluated: 2025-06-18. Review status: criteria provided, single submitter. Criteria: Invitae Variant Classification Sherloc (09022015). Collection method: clinical testing. Allele origin: germline.
Comment: This sequence change replaces aspartic acid, which is acidic and polar, with glutamic acid, which is acidic and polar, at codon 535 of the ZMIZ1 protein (p.Asp535Glu). The frequency data for this variant in the population databases is considered unreliable, as metrics indicate poor data quality at this position in the gnomAD database. This variant has not been reported in the literature in individuals affected with ZMIZ1-related conditions. ClinVar contains an entry for this variant (Variation ID: 3717683). Invitae Evidence Modeling of protein sequence and biophysical properties (such as structural, functional, and spatial information, amino acid conservation, physicochemical variation, residue mobility, and thermodynamic stability) indicates that this missense variant is not expected to disrupt ZMIZ1 protein function with a negative predictive value of 95%. In summary, the available evidence is currently insufficient to determine the role of this variant in disease. Therefore, it has been classified as a Variant of Uncertain Significance.